The following is an entry in ClinVar:

NM_001035.3(RYR2):c.13363G>A (p.Glu4455Lys)

Gene: RYR2 (ryanodine receptor 2; plus strand). Cytogenetic location: 1q43.
Variant type: single nucleotide variant.
Coding change: c.13363G>A on transcript NM_001035.3 (MANE Select); coding-DNA position 13363, G replaced by A.
Protein change: p.Glu4455Lys; replaces glutamic acid 4455 with lysine.
Molecular consequence: missense variant.
Genome position (GRCh38, 1-based): chr1:237,788,022, G>A. VCF-style: chr1-237788022-G-A. GRCh37 (hg19) VCF-style: chr1-237951322-G-A.
Other names: short protein forms E4455K.
Identifiers: ClinVar variation 3073925 (VCV003073925.2), dbSNP rs2527855090, ClinGen allele CA345416429.

ClinVar aggregate classification (germline): Uncertain significance. Review status: criteria provided, multiple submitters, no conflicts (2 of 4 stars). 2 submissions from 2 submitters: Uncertain significance (2). Last evaluated 2025-08-25.

Conditions:
Cardiomyopathy (CMYO). Also called: Cardiomyopathies. Identifiers: Orphanet 167848, MedGen C0878544, MONDO:0004994, HP:0001638. Inheritance: Various modes of inheritance.
Catecholaminergic polymorphic ventricular tachycardia (CVPT). Also called: Catecholamine-induced polymorphic ventricular tachycardia. Identifiers: Orphanet 3286, MedGen C5574922, MONDO:0017990.

Submissions (2):

Color Diagnostics, LLC DBA Color Health
Classification: Uncertain significance for Cardiomyopathy. Last evaluated: 2025-08-25. Review status: criteria provided, single submitter. Criteria: ACMG Guidelines, 2015. Collection method: clinical testing. Allele origin: germline.
Comment: This missense variant replaces glutamic acid with lysine at codon 4455 of the RYR2 protein. Computational prediction suggests that this variant may not impact protein structure and function. To our knowledge, functional studies have not been reported for this variant. This variant has not been reported in individuals affected with RYR2-related disorders in the literature. This variant has not been identified in the general population by the Genome Aggregation Database (gnomAD). The available evidence is insufficient to determine the role of this variant in disease conclusively. Therefore, this variant is classified as a Variant of Uncertain Significance.

All of Us Research Program, National Institutes of Health
Classification: Uncertain significance for Catecholaminergic polymorphic ventricular tachycardia. Last evaluated: 2023-11-30. Review status: criteria provided, single submitter. Criteria: ACMG Guidelines, 2015. Collection method: clinical testing. Allele origin: germline. Inheritance: Autosomal dominant inheritance. Observed: 1 variant allele, 1 heterozygote.
Comment: This study involves interpretation of variants in research participants for the purpose of population health screening. Participant phenotype was not available at the time of variant classification. Additional details can be found in publication PMID: 35346344, PMCID: PMC8962531